The following is an entry in ClinVar:

ClinVar aggregate classification (germline): Pathogenic (1 of 4 stars; one submission).

Conditions:
Bardet-Biedl syndrome (BBS). Identifiers: Orphanet 110, MedGen C0752166, MONDO:0015229.

Submission:

Labcorp Genetics (formerly Invitae), Labcorp
Classification: Pathogenic for Bardet-Biedl syndrome. Last evaluated: 2021-01-20. Review status: criteria provided, single submitter. Criteria: Invitae Variant Classification Sherloc (09022015). Collection method: clinical testing. Allele origin: germline.
Comment: This sequence change creates a premature translational stop signal (p.Met160Leufs*63) in the TRIM32 gene. While this is not anticipated to result in nonsense mediated decay, it is expected to disrupt the last 494 amino acid(s) of the TRIM32 protein. This variant is not present in population databases (ExAC no frequency). This variant has not been reported in the literature in individuals with TRIM32-related conditions. This variant disrupts the C-terminus of the TRIM32 protein. Other variant(s) that disrupt this region (p.Gly562Valfs*61) have been determined to be pathogenic (Invitae). This suggests that variants that disrupt this region of the protein are likely to be causative of disease. For these reasons, this variant has been classified as Pathogenic.

NM_012210.4(TRIM32):c.476_477dup (p.Met160fs)

Genes: ASTN2 (astrotactin 2; minus strand), TRIM32 (tripartite motif containing 32; plus strand). Cytogenetic location: 9q33.1.
Variant type: Duplication.
Coding change: c.476_477dup on transcript NM_012210.4 (MANE Select); coding-DNA positions 476 to 477, 2 bases duplicated (TT; older notation c.476_477dupTT).
Protein change: p.Met160fs; shifts the reading frame from methionine 160.
Molecular consequence: frameshift variant. On other transcripts: intron variant (3).
Genome position (GRCh38, 1-based): chr9:116,698,218-116,698,219, TT duplicated. VCF-style (leftmost placement, unchanged base first): chr9-116698217-C-CTT. GRCh37 (hg19) VCF-style: chr9-119460496-C-CTT.
Other names: c.476_477dup, p.Met160fs (NM_001099679.2, NM_001379048.1, NM_001379049.1 and 1 more transcripts); c.2653+27552_2653+27553dup (NM_014010.5); c.2794+27552_2794+27553dup (NM_001365069.1); c.2806+27552_2806+27553dup (NM_001365068.1); short protein forms M160fs.
Identifiers: ClinVar variation 1391008 (VCV001391008.8), dbSNP rs2132071763, ClinGen allele CA2573143775.
Genomic context (GRCh38, chr9:116,698,217, plus strand): 5'-AAAGAAGCAGCTGAGGAGCGGCGTCGGGACTTTGGAGAGAAGTTAACTCGTCTGCGGGAA[C>CTT]TTATGGGGGAGCTGCAGCGGCGGAAGGCAGCCTTGGAAGGTGTCTCCAAGGACCTTCAGG-3'